The following is an entry in ClinVar:

ClinVar aggregate classification (germline): Likely pathogenic (1 of 4 stars; one submission).

Conditions:
Hypertrophic cardiomyopathy 18. Identifiers: MedGen C3151265, MONDO:0013475, OMIM 613874.

Submission:

MGZ Medical Genetics Center
Classification: Likely pathogenic for Hypertrophic cardiomyopathy 18. Last evaluated: 2021-12-21. Review status: criteria provided, single submitter. Criteria: ACMG Guidelines, 2015. Collection method: clinical testing. Allele origin: germline. Affected: yes. Observed: 2 variant alleles.
Comment: ACMG criteria applied: PVS1, PM2_SUP

NM_002667.5(PLN):c.63_64del (p.Gln22fs)

Genes: CEP85L (centrosomal protein 85L; minus strand), PLN (phospholamban; plus strand). Cytogenetic location: 6q22.31.
Variant type: Deletion.
Coding change: c.63_64del on transcript NM_002667.5 (MANE Select); coding-DNA positions 63 to 64, 2 bases deleted (TC; older notation c.63_64delTC).
Protein change: p.Gln22fs; shifts the reading frame from glutamine 22.
Molecular consequence: frameshift variant. On other transcripts: intron variant (3).
Genome position (GRCh38, 1-based): chr6:118,558,984-118,558,985, TC deleted; deleting any 2 consecutive bases within chr6:118,558,983-118,558,985 gives the same sequence; the c. name uses the placement nearest the transcript's 3' end. VCF-style (leftmost placement, unchanged base first): chr6-118558982-CCT-C. GRCh37 (hg19) VCF-style: chr6-118880145-CCT-C.
Other names: c.1029+6545_1029+6546del (NM_001178035.2); c.1020+6545_1020+6546del (NM_001042475.3, NM_206921.3); short protein forms Q22fs.
Identifiers: ClinVar variation 1709041 (VCV001709041.2), dbSNP rs794729138, ClinGen allele CA2580074819.